The following is an entry in ClinVar:

NM_001845.6(COL4A1):c.3269C>T (p.Pro1090Leu)

Gene: COL4A1 (collagen type IV alpha 1 chain; minus strand). Cytogenetic location: 13q34.
Variant type: single nucleotide variant.
Coding change: c.3269C>T on transcript NM_001845.6 (MANE Select); coding-DNA position 3269, C replaced by T.
Protein change: p.Pro1090Leu; replaces proline 1090 with leucine.
Molecular consequence: missense variant.
Genome position (GRCh38, 1-based): chr13:110,174,679, G>A on the plus strand (C>T on the coding strand, the complement: COL4A1 is on the minus strand). VCF-style: chr13-110174679-G-A. GRCh37 (hg19) VCF-style: chr13-110827026-G-A.
Other names: short protein forms P1090L.
Identifiers: ClinVar variation 3680920 (VCV003680920.2).

ClinVar aggregate classification (germline): Uncertain significance (1 of 4 stars; one submission).

gnomAD v4.1: 4 of 1,613,818 alleles (0.00025%); highest among the groups gnomAD compares: East Asian, 0.0089%; no homozygotes.

Submission:

Labcorp Genetics (formerly Invitae), Labcorp
Classification: Uncertain significance. Last evaluated: 2024-07-20. Review status: criteria provided, single submitter. Criteria: Invitae Variant Classification Sherloc (09022015). Collection method: clinical testing. Allele origin: germline.
Comment: This sequence change replaces proline, which is neutral and non-polar, with leucine, which is neutral and non-polar, at codon 1090 of the COL4A1 protein (p.Pro1090Leu). This variant is present in population databases (no rsID available, gnomAD 0.01%). This variant has not been reported in the literature in individuals affected with COL4A1-related conditions. An algorithm developed to predict the effect of missense changes on protein structure and function (PolyPhen-2) suggests that this variant is likely to be disruptive. In summary, the available evidence is currently insufficient to determine the role of this variant in disease. Therefore, it has been classified as a Variant of Uncertain Significance.